The following is an entry in ClinVar:

NM_203447.4(DOCK8):c.5079+7dup

Gene: DOCK8 (dedicator of cytokinesis 8; plus strand). Cytogenetic location: 9p24.3.
Variant type: Duplication.
Coding change: c.5079+7dup on transcript NM_203447.4 (MANE Select); 7 bases into the intron after coding-DNA position 5079, one base duplicated (T; older notation c.5079+7dupT).
Molecular consequence: intron variant.
Genome position (GRCh38, 1-based): chr9:434,982, T duplicated. VCF-style (leftmost placement, unchanged base first): chr9-434981-G-GT. GRCh37 (hg19) VCF-style: chr9-434981-G-GT.
Other names: c.5079+7dupT (NM_203447.3); c.4875+7dup (NM_001193536.2); c.4779+7dup (NM_001190458.2).
Identifiers: ClinVar variation 422678 (VCV000422678.11), dbSNP rs762095035, ClinGen allele CA4959281.
Genomic context (GRCh38, chr9:434,981, plus strand): 5'-TCTGAGCATGCTGGAGGACCACAGCTACCTGCCCGTGGGCAGTGTCAGCTTCCAGGTAGG[G>GT]TGTGTGCAGCTTTTCCCTTAGAGCAGTGGTTCTCAACTGGGGCGATTTTGTCCCCCAGCC-3'

ClinVar aggregate classification (germline): Conflicting classifications of pathogenicity. Review status: criteria provided, conflicting classifications (1 of 4 stars). 4 submissions from 4 submitters: Uncertain significance (1); Likely benign (3). Last evaluated 2026-09-01.

Conditions:
Combined immunodeficiency due to DOCK8 deficiency (HIES2). Also called: HYPER-IgE RECURRENT INFECTION SYNDROME 2, AUTOSOMAL RECESSIVE; HYPER-IgE SYNDROME 2, AUTOSOMAL RECESSIVE, WITH RECURRENT INFECTIONS; HIES autosomal recessive; Hyper-IgE recurrent infection syndrome, autosomal recessive; DOCK8 Deficiency. Identifiers: Orphanet 217390, MedGen C4722305, MONDO:0009478, OMIM 243700.

Allele frequency attached by ClinVar (database versions not stated): TOPMed 0.00002; ESP Exome Variant Server 0.00008; gnomAD 0.00009 and 0.00010; gnomAD exomes 0.00009 and 0.00023; 1000 Genomes Project 30x 0.00016; ExAC 0.00025.

Submissions (4):

CeGaT Center for Human Genetics Tuebingen
Classification: Likely benign. Last evaluated: 2026-09-01. Review status: criteria provided, single submitter. Criteria: CeGaT Center For Human Genetics Tuebingen Variant Classification Criteria Version 2. Collection method: clinical testing. Allele origin: germline. Affected: yes. Observed: 1 variant allele.
Comment: DOCK8: BP4

Labcorp Genetics (formerly Invitae), Labcorp
Classification: Likely benign for Combined immunodeficiency due to DOCK8 deficiency. Last evaluated: 2025-10-09. Review status: criteria provided, single submitter. Criteria: Invitae Variant Classification Sherloc (09022015). Collection method: clinical testing. Allele origin: germline.

Blueprint Genetics
Classification: Uncertain significance. Last evaluated: 2024-09-25. Review status: criteria provided, single submitter. Criteria: ACMG Guidelines, 2015. Collection method: clinical testing. Allele origin: germline.

GeneDx
Classification: Likely benign. Last evaluated: 2016-11-03. Review status: criteria provided, single submitter. Criteria: GeneDx Variant Classification (06012015). Collection method: clinical testing. Allele origin: germline. Affected: yes.
Comment: This variant is considered likely benign or benign based on one or more of the following criteria: it is a conservative change, it occurs at a poorly conserved position in the protein, it is predicted to be benign by multiple in silico algorithms, and/or has population frequency not consistent with disease.